The following is an entry in ClinVar:

ClinVar aggregate classification (germline): Uncertain significance (1 of 4 stars; one submission).

Allele frequency attached by ClinVar (database versions not stated): TOPMed 0.00001.

Submission:

Labcorp Genetics (formerly Invitae), Labcorp
Classification: Uncertain significance. Last evaluated: 2022-03-19. Review status: criteria provided, single submitter. Criteria: Invitae Variant Classification Sherloc (09022015). Collection method: clinical testing. Allele origin: germline.
Comment: This variant has not been reported in the literature in individuals affected with HMX1-related conditions. In summary, the available evidence is currently insufficient to determine the role of this variant in disease. Therefore, it has been classified as a Variant of Uncertain Significance. Algorithms developed to predict the effect of missense changes on protein structure and function are either unavailable or do not agree on the potential impact of this missense change (SIFT: "Tolerated"; PolyPhen-2: "Not Available"; Align-GVGD: "Class C0"). This variant is not present in population databases (gnomAD no frequency). This sequence change replaces proline, which is neutral and non-polar, with leucine, which is neutral and non-polar, at codon 104 of the HMX1 protein (p.Pro104Leu).

NM_018942.3(HMX1):c.311C>T (p.Pro104Leu)

Gene: HMX1 (H6 family homeobox 1; minus strand). Cytogenetic location: 4p16.1.
Variant type: single nucleotide variant.
Coding change: c.311C>T on transcript NM_018942.3 (MANE Select); coding-DNA position 311, C replaced by T.
Protein change: p.Pro104Leu; replaces proline 104 with leucine.
Molecular consequence: missense variant.
Genome position (GRCh38, 1-based): chr4:8,871,304, G>A on the plus strand (C>T on the coding strand, the complement: HMX1 is on the minus strand). VCF-style: chr4-8871304-G-A. GRCh37 (hg19) VCF-style: chr4-8873030-G-A.
Other names: c.311C>T, p.Pro104Leu (NM_001306142.2); short protein forms P104L.
Identifiers: ClinVar variation 2087418 (VCV002087418.4), dbSNP rs1003367490, ClinGen allele CA92350219.